The following is an entry in ClinVar:

NM_000038.6(APC):c.768T>G (p.Asp256Glu)

Gene: APC (APC regulator of Wnt signaling pathway; plus strand). Cytogenetic location: 5q22.2.
Variant type: single nucleotide variant.
Coding change: c.768T>G on transcript NM_000038.6 (MANE Select); coding-DNA position 768, T replaced by G.
Protein change: p.Asp256Glu; replaces aspartic acid 256 with glutamic acid.
Molecular consequence: missense variant. On other transcripts: 5 prime UTR variant (1).
Genome position (GRCh38, 1-based): chr5:112,801,317, T>G. VCF-style: chr5-112801317-T-G. GRCh37 (hg19) VCF-style: chr5-112137014-T-G.
Other names: c.768T>G, p.Asp256Glu (NM_001127510.3, NM_001354895.2, NM_001354896.2 and 1 more transcripts); c.714T>G, p.Asp238Glu (NM_001127511.3); c.798T>G, p.Asp266Glu (NM_001354897.2, NM_001354902.2); c.693T>G, p.Asp231Glu (NM_001354898.2, NM_001354904.2); c.684T>G, p.Asp228Glu (NM_001354899.2); c.591T>G, p.Asp197Glu (NM_001354900.2, NM_001354901.2, NM_001354905.2); c.-268T>G (NM_001354906.2); short protein forms D256E, D238E, D197E, D266E, D228E, D231E.
Identifiers: ClinVar variation 470104 (VCV000470104.28), dbSNP rs764268036, ClinGen allele CA16023012.

ClinVar aggregate classification (germline): Conflicting classifications of pathogenicity. Review status: criteria provided, conflicting classifications (1 of 4 stars). 9 submissions from 9 submitters: Uncertain significance (8); Likely benign (1). Last evaluated 2026-08-27.

Conditions:
Classic or attenuated familial adenomatous polyposis. Identifiers: MedGen CN372698, MONDO:0021057.
APC-related disorder. Also called: APC-related condition.
Hereditary cancer-predisposing syndrome. Also called: Tumor predisposition; Hereditary neoplastic syndrome; Neoplastic Syndromes, Hereditary; Hereditary Cancer Syndrome. Identifiers: Orphanet 140162, MedGen C0027672, MeSH D009386, MONDO:0015356.
Familial adenomatous polyposis 1 (FAP1). Also called: POLYPOSIS, ADENOMATOUS INTESTINAL; FAMILIAL ADENOMATOUS POLYPOSIS 1, ATTENUATED. Identifiers: MedGen C2713442, MONDO:0021056, OMIM 175100. Disease mechanism: loss of function.
Desmoid disease, hereditary (DESMD). Also called: FIBROMATOSIS, FAMILIAL INFILTRATIVE. Identifiers: Orphanet 873, MedGen C1851124, OMIM 135290. Disease mechanism: loss of function.

Allele frequency attached by ClinVar (database versions not stated): TOPMed 0.00001.
gnomAD v4.1: 22 of 1,613,042 alleles (0.0014%); highest among the groups gnomAD compares: Non-Finnish European, 0.0018%; no homozygotes.

Submissions (9):

PreventionGenetics, part of Exact Sciences
Classification: Uncertain significance for APC-related condition. Last evaluated: 2026-08-27. Review status: criteria provided, single submitter. Criteria: ACMG Guidelines, 2015. Collection method: clinical testing. Allele origin: germline.
Comment: The APC c.768T>G variant is predicted to result in the amino acid substitution p.Asp256Glu. To our knowledge, this variant has not been reported in the literature. This variant is reported in 0.0023% of alleles in individuals of European (Non-Finnish) descent in gnomAD and has conflicting interpretations of likely benign and uncertain significance in ClinVar (Variation ID: 470104). At this time, the clinical significance of this variant is uncertain due to the absence of conclusive functional and genetic evidence.

Labcorp Genetics (formerly Invitae), Labcorp
Classification: Uncertain significance for Familial adenomatous polyposis 1. Last evaluated: 2026-01-01. Review status: criteria provided, single submitter. Criteria: Invitae Variant Classification Sherloc (09022015). Collection method: clinical testing. Allele origin: germline.
Comment: This sequence change replaces aspartic acid, which is acidic and polar, with glutamic acid, which is acidic and polar, at codon 256 of the APC protein (p.Asp256Glu). This variant is present in population databases (no rsID available, gnomAD 0.002%). This variant has not been reported in the literature in individuals affected with APC-related conditions. ClinVar contains an entry for this variant (Variation ID: 470104). Invitae Evidence Modeling of protein sequence and biophysical properties (such as structural, functional, and spatial information, amino acid conservation, physicochemical variation, residue mobility, and thermodynamic stability) indicates that this missense variant is not expected to disrupt APC protein function with a negative predictive value of 95%. In summary, the available evidence is currently insufficient to determine the role of this variant in disease. Therefore, it has been classified as a Variant of Uncertain Significance.

Molecular Pathology, Peter Maccallum Cancer Centre
Classification: Uncertain significance for Familial adenomatous polyposis 1. Last evaluated: 2025-02-27. Review status: criteria provided, single submitter. Criteria: ACMG Guidelines, 2015. Collection method: clinical testing. Allele origin: germline. Inheritance: Autosomal dominant inheritance.

All of Us Research Program, National Institutes of Health
Classification: Uncertain significance for Classic or attenuated familial adenomatous polyposis. Last evaluated: 2024-05-09. Review status: criteria provided, single submitter. Criteria: ACMG Guidelines, 2015. Collection method: clinical testing. Allele origin: germline. Inheritance: Autosomal dominant inheritance. Observed: 3 variant alleles, 3 heterozygotes.
Comment: This missense variant replaces aspartic acid with glutamic acid at codon 256 of the APC protein. Computational prediction suggests that this variant may not impact protein structure and function (internally defined REVEL score threshold <= 0.5, PMID: 27666373). To our knowledge, functional studies have not been reported for this variant. This variant has not been reported in individuals affected with APC-related disorders in the literature. This variant has been identified in 3/282480 chromosomes in the general population by the Genome Aggregation Database (gnomAD). The available evidence is insufficient to determine the role of this variant in disease conclusively. Therefore, this variant is classified as a Variant of Uncertain Significance.

This study involves interpretation of variants in research participants for the purpose of population health screening. Participant phenotype was not available at the time of variant classification. Additional details can be found in publication PMID: 35346344, PMCID: PMC8962531

Color Diagnostics, LLC DBA Color Health
Classification: Uncertain significance for Hereditary cancer-predisposing syndrome. Last evaluated: 2023-12-04. Review status: criteria provided, single submitter. Criteria: ACMG Guidelines, 2015. Collection method: clinical testing. Allele origin: germline.
Comment: This missense variant replaces aspartic acid with glutamic acid at codon 256 of the APC protein. Computational prediction suggests that this variant may not impact protein structure and function (internally defined REVEL score threshold <= 0.5, PMID: 27666373). To our knowledge, functional studies have not been reported for this variant. This variant has not been reported in individuals affected with APC-related disorders in the literature. This variant has been identified in 3/282480 chromosomes in the general population by the Genome Aggregation Database (gnomAD). The available evidence is insufficient to determine the role of this variant in disease conclusively. Therefore, this variant is classified as a Variant of Uncertain Significance.

GeneDx
Classification: Uncertain significance. Last evaluated: 2023-10-19. Review status: criteria provided, single submitter. Criteria: GeneDx Variant Classification Process June 2021. Collection method: clinical testing. Allele origin: germline. Affected: yes.
Comment: Not observed at significant frequency in large population cohorts (gnomAD); In silico analysis supports that this missense variant does not alter protein structure/function; Has not been previously published as pathogenic or benign to our knowledge

Department of Pathology and Laboratory Medicine, Sinai Health System
Classification: Uncertain significance for Desmoid disease, hereditary. Last evaluated: 2020-12-11. Review status: criteria provided, single submitter. Criteria: ACMG Guidelines, 2015. Collection method: clinical testing. Allele origin: germline. Affected: yes.

Quest Diagnostics Nichols Institute San Juan Capistrano
Classification: Uncertain significance. Last evaluated: 2018-12-10. Review status: criteria provided, single submitter. Criteria: Quest Diagnostics criteria. Collection method: clinical testing. Allele origin: germline.

Ambry Genetics
Classification: Likely benign for Hereditary cancer-predisposing syndrome. Last evaluated: 2018-05-09. Review status: criteria provided, single submitter. Criteria: Ambry Variant Classification Scheme 2023. Collection method: clinical testing. Allele origin: germline.